The following is an entry in ClinVar:

NM_017777.4(MKS1):c.322C>T (p.Arg108Cys)

Gene: MKS1 (MKS transition zone complex subunit 1; minus strand). Cytogenetic location: 17q22.
Variant type: single nucleotide variant.
Coding change: c.322C>T on transcript NM_017777.4 (MANE Select); coding-DNA position 322, C replaced by T.
Protein change: p.Arg108Cys; replaces arginine 108 with cysteine.
Molecular consequence: missense variant. On other transcripts: 5 prime UTR variant (1).
Genome position (GRCh38, 1-based): chr17:58,216,183, G>A on the plus strand (C>T on the coding strand, the complement: MKS1 is on the minus strand). VCF-style: chr17-58216183-G-A. GRCh37 (hg19) VCF-style: chr17-56293544-G-A.
Other names: c.-190C>T (NM_001321268.2); c.322C>T, p.Arg108Cys (NM_001321269.2, NM_001330397.2); short protein forms R108C.
Identifiers: ClinVar variation 853823 (VCV000853823.44), dbSNP rs201476674, ClinGen allele CA8669566.

ClinVar aggregate classification (germline): Conflicting classifications of pathogenicity. Review status: criteria provided, conflicting classifications (1 of 4 stars). 6 submissions from 6 submitters: Uncertain significance (3); Likely benign (2). 1 of the submissions does not count toward it. Last evaluated 2026-09-14.

Conditions:
Inborn genetic diseases. Identifiers: MedGen C0950123, MeSH D030342.
Joubert syndrome. Also called: Familial aplasia of the vermis; JOUBERT-BOLTSHAUSER SYNDROME. Identifiers: Orphanet 475, MedGen C5979921, MONDO:0018772.
Meckel-Gruber syndrome. Also called: Dysencephalia splachnocystica; DYSENCEPHALIA SPLANCHNOCYSTICA; GRUBER SYNDROME. Identifiers: Orphanet 564, MedGen C0265215, MONDO:0018921.
MKS1-related disorder. Also called: MKS1-related condition; MKS1-related disorders. Identifiers: MedGen CN239382.
Joubert syndrome 28 (JBTS28). Identifiers: MedGen C4310705, MONDO:0014928, OMIM 617121.
Meckel syndrome, type 1 (MKS1). Also called: MECKEL-GRUBER SYNDROME, TYPE 1. Identifiers: Orphanet 564, MedGen C3714506, MONDO:0009571, OMIM 249000.
Bardet-Biedl syndrome 13 (BBS13). Identifiers: Orphanet 110, MedGen C2673873, MONDO:0014441, OMIM 615990.

Allele frequency attached by ClinVar (database versions not stated): gnomAD 0.00003; ExAC 0.00007; gnomAD exomes 0.00008; TOPMed 0.00012; 1000 Genomes Project 30x 0.00016; 1000 Genomes Project 0.00020.
gnomAD v4.1: 35 of 1,614,032 alleles (0.0022%); highest among the groups gnomAD compares: Admixed American, 0.038%; no homozygotes.

Submissions (6):

PreventionGenetics, part of Exact Sciences
Classification: Uncertain significance for MKS1-related condition. Last evaluated: 2026-09-14. Review status: criteria provided, single submitter. Criteria: ACMG Guidelines, 2015. Collection method: clinical testing. Allele origin: germline.
Comment: The MKS1 c.322C>T variant is predicted to result in the amino acid substitution p.Arg108Cys. To our knowledge, this variant has not been reported in the literature, although a different amino acid change at the same position (p.Arg108His) was reported in a patient with Joubert Syndrome (Sun et al. 2018. PubMed ID: 30076350). This variant is reported in 0.059% of alleles in individuals of Latino descent in gnomAD. Although we suspect that this variant may be benign, at this time, the clinical significance of this variant is uncertain due to the absence of conclusive functional and genetic evidence.

Labcorp Genetics (formerly Invitae), Labcorp
Classification: Likely benign for Joubert syndrome; Meckel-Gruber syndrome. Last evaluated: 2025-11-05. Review status: criteria provided, single submitter. Criteria: Invitae Variant Classification Sherloc (09022015). Collection method: clinical testing. Allele origin: germline.

Ambry Genetics
Classification: Uncertain significance for Inborn genetic diseases. Last evaluated: 2023-12-19. Review status: criteria provided, single submitter. Criteria: Ambry Variant Classification Scheme 2023. Collection method: clinical testing. Allele origin: germline.

CeGaT Center for Human Genetics Tuebingen
Classification: Likely benign. Last evaluated: 2022-07-01. Review status: criteria provided, single submitter. Criteria: CeGaT Center For Human Genetics Tuebingen Variant Classification Criteria Version 2. Collection method: clinical testing. Allele origin: germline. Affected: yes. Observed: 1 variant allele.
Comment: MKS1: BP4

New York Genome Center
Classification: Uncertain significance for Bardet-Biedl syndrome 13; Joubert syndrome 28; Meckel syndrome, type 1. Last evaluated: 2021-04-09. Review status: criteria provided, single submitter. Criteria: NYGC Assertion Criteria 2020. Collection method: clinical testing. Allele origin: germline. Observed: 1 heterozygote.

Natera, Inc.
Classification: Uncertain significance for Meckel syndrome type 1. Last evaluated: 2020-02-21. Review status: no assertion criteria provided. Collection method: clinical testing. Allele origin: germline. Not counted in ClinVar's aggregate classification.